The following is an entry in ClinVar:

ClinVar aggregate classification (germline): Likely benign. Review status: criteria provided, multiple submitters, no conflicts (2 of 4 stars). 3 submissions from 3 submitters: Likely benign (3). Last evaluated 2025-08-04.

Conditions:
Hereditary cancer-predisposing syndrome. Also called: Hereditary neoplastic syndrome; Neoplastic Syndromes, Hereditary; Hereditary Cancer Syndrome; Tumor predisposition. Identifiers: Orphanet 140162, MedGen C0027672, MeSH D009386, MONDO:0015356.
NTHL1-related disorder. Also called: NTHL1-related condition; NTHL1-related conditions.

Allele frequency attached by ClinVar (database versions not stated): ExAC 0.00001; gnomAD exomes 0.00001.
gnomAD v4.1: 14 of 1,612,076 alleles (0.00087%); highest among the groups gnomAD compares: Non-Finnish European, 0.0012%; no homozygotes.

Submissions (3):

PreventionGenetics, part of Exact Sciences
Classification: Likely benign for NTHL1-related condition. Last evaluated: 2025-08-04. Review status: criteria provided, single submitter. Criteria: ACMG Guidelines, 2015. Collection method: clinical testing. Allele origin: germline.
Comment: This variant is classified as likely benign based on ACMG/AMP sequence variant interpretation guidelines (Richards et al. 2015 PMID: 25741868, with internal and published modifications).

Labcorp Genetics (formerly Invitae), Labcorp
Classification: Likely benign. Last evaluated: 2025-06-03. Review status: criteria provided, single submitter. Criteria: Invitae Variant Classification Sherloc (09022015). Collection method: clinical testing. Allele origin: germline.

Ambry Genetics
Classification: Likely benign for Hereditary cancer-predisposing syndrome. Last evaluated: 2019-08-10. Review status: criteria provided, single submitter. Criteria: Ambry Variant Classification Scheme 2023. Collection method: clinical testing. Allele origin: germline.

NM_002528.7(NTHL1):c.555C>T (p.Ser185=)

Gene: NTHL1 (nth like DNA glycosylase 1; minus strand). Cytogenetic location: 16p13.3.
Variant type: single nucleotide variant.
Coding change: c.555C>T on transcript NM_002528.7 (MANE Select); coding-DNA position 555, C replaced by T.
Protein change: p.Ser185=; no amino-acid change (serine 185 retained).
Molecular consequence: synonymous variant.
Genome position (GRCh38, 1-based): chr16:2,043,697, G>A on the plus strand (C>T on the coding strand, the complement: NTHL1 is on the minus strand). VCF-style: chr16-2043697-G-A. GRCh37 (hg19) VCF-style: chr16-2093698-G-A.
Other names: c.384C>T, p.Ser128= (NM_001318193.2); c.225C>T, p.Ser75= (NM_001318194.2).
Identifiers: ClinVar variation 758534 (VCV000758534.16), dbSNP rs756943656, ClinGen allele CA7828203.